The following is an entry in ClinVar:

NM_001003800.2(BICD2):c.1790G>A (p.Arg597Gln)

Gene: BICD2 (BICD cargo adaptor 2; minus strand). Cytogenetic location: 9q22.31.
Variant type: single nucleotide variant.
Coding change: c.1790G>A on transcript NM_001003800.2 (MANE Select); coding-DNA position 1790, G replaced by A.
Protein change: p.Arg597Gln; replaces arginine 597 with glutamine.
Molecular consequence: missense variant.
Genome position (GRCh38, 1-based): chr9:92,718,855, C>T on the plus strand (G>A on the coding strand, the complement: BICD2 is on the minus strand). VCF-style: chr9-92718855-C-T. GRCh37 (hg19) VCF-style: chr9-95481137-C-T.
Other names: c.1790G>A, p.Arg597Gln (NM_015250.4); short protein forms R597Q.
Identifiers: ClinVar variation 585476 (VCV000585476.12), dbSNP rs1412401979, ClinGen allele CA374035776.

ClinVar aggregate classification (germline): Uncertain significance. Review status: criteria provided, multiple submitters, no conflicts (2 of 4 stars). 3 submissions from 3 submitters: Uncertain significance (3). Last evaluated 2025-04-30.

Conditions:
Autosomal dominant childhood-onset proximal spinal muscular atrophy with contractures (SMALED2A). Also called: SPINAL MUSCULAR ATROPHY, LOWER EXTREMITY-PREDOMINANT, 2A, CHILDHOOD ONSET, AUTOSOMAL DOMINANT; Spinal muscular atrophy, lower extremity-predominant, 2A, autosomal dominant. Identifiers: Orphanet 363447, Orphanet 363454, MedGen C4747715, MONDO:0014121, OMIM 615290.
Inborn genetic diseases. Identifiers: MedGen C0950123, MeSH D030342.

Allele frequency attached by ClinVar (database versions not stated): gnomAD 0.00001; gnomAD exomes 0.00001; TOPMed 0.00002.
gnomAD v4.1: 22 of 1,599,908 alleles (0.0014%); highest among the groups gnomAD compares: East Asian, 0.0023%; no homozygotes.

Submissions (3):

Ambry Genetics
Classification: Uncertain significance for Inborn genetic diseases. Last evaluated: 2025-04-30. Review status: criteria provided, single submitter. Criteria: Ambry Variant Classification Scheme 2023. Collection method: clinical testing. Allele origin: germline.

Labcorp Genetics (formerly Invitae), Labcorp
Classification: Uncertain significance for Autosomal dominant childhood-onset proximal spinal muscular atrophy with contractures. Last evaluated: 2023-07-22. Review status: criteria provided, single submitter. Criteria: Invitae Variant Classification Sherloc (09022015). Collection method: clinical testing. Allele origin: germline.
Comment: In summary, the available evidence is currently insufficient to determine the role of this variant in disease. Therefore, it has been classified as a Variant of Uncertain Significance. Advanced modeling of protein sequence and biophysical properties (such as structural, functional, and spatial information, amino acid conservation, physicochemical variation, residue mobility, and thermodynamic stability) performed at Invitae indicates that this missense variant is not expected to disrupt BICD2 protein function. This sequence change replaces arginine, which is basic and polar, with glutamine, which is neutral and polar, at codon 597 of the BICD2 protein (p.Arg597Gln). This variant is present in population databases (no rsID available, gnomAD 0.005%). This variant has not been reported in the literature in individuals affected with BICD2-related conditions. ClinVar contains an entry for this variant (Variation ID: 585476).

Athena Diagnostics
Classification: Uncertain significance. Last evaluated: 2017-12-12. Review status: criteria provided, single submitter. Criteria: Athena Diagnostics Criteria. Collection method: clinical testing. Allele origin: germline.